The following is an entry in ClinVar:

ClinVar aggregate classification (germline): Uncertain significance (1 of 4 stars; one submission).

Conditions:
Neuropathy, hereditary sensory and autonomic, type 2A (HSAN2A). Also called: HSAN IIA; ACROOSTEOLYSIS, GIACCAI TYPE; ACROOSTEOLYSIS, NEUROGENIC; MORVAN DISEASE; NEUROPATHY, CONGENITAL SENSORY; NEUROPATHY, HEREDITARY SENSORY RADICULAR, AUTOSOMAL RECESSIVE. Identifiers: Orphanet 970, MedGen C2752089, MONDO:0024309, OMIM 201300.
Generalized epilepsy with febrile seizures plus, type 7 (GEFSP7). Also called: GEFS+, TYPE 7. Identifiers: Orphanet 36387, MedGen C2751778, MONDO:0013470, OMIM 613863.

gnomAD v4.1: 1 of 1,614,186 alleles (0.000062%); highest among the groups gnomAD compares: Admixed American, 0.0017%; no homozygotes.

Submission:

Labcorp Genetics (formerly Invitae), Labcorp
Classification: Uncertain significance for Neuropathy, hereditary sensory and autonomic, type 2A; Generalized epilepsy with febrile seizures plus, type 7. Last evaluated: 2023-04-06. Review status: criteria provided, single submitter. Criteria: Invitae Variant Classification Sherloc (09022015). Collection method: clinical testing. Allele origin: germline.
Comment: This sequence change replaces glycine, which is neutral and non-polar, with valine, which is neutral and non-polar, at codon 1688 of the SCN9A protein (p.Gly1688Val). This variant is not present in population databases (gnomAD no frequency). This missense change has been observed in individual(s) with clinical features of SCN9A-related conditions (Invitae). ClinVar contains an entry for this variant (Variation ID: 846742). Advanced modeling of protein sequence and biophysical properties (such as structural, functional, and spatial information, amino acid conservation, physicochemical variation, residue mobility, and thermodynamic stability) has been performed at Invitae for this missense variant, however the output from this modeling did not meet the statistical confidence thresholds required to predict the impact of this variant on SCN9A protein function. In summary, the available evidence is currently insufficient to determine the role of this variant in disease. Therefore, it has been classified as a Variant of Uncertain Significance.

NM_001365536.1(SCN9A):c.5096G>T (p.Gly1699Val)

Genes: SCN9A (sodium voltage-gated channel alpha subunit 9; minus strand), SCN1A-AS1 (SCN1A and SCN9A antisense RNA 1; plus strand). Cytogenetic location: 2q24.3.
Variant type: single nucleotide variant.
Coding change: c.5096G>T on transcript NM_001365536.1 (MANE Select); coding-DNA position 5096, G replaced by T.
Protein change: p.Gly1699Val; replaces glycine 1699 with valine.
Molecular consequence: missense variant.
Genome position (GRCh38, 1-based): chr2:166,199,543, C>A on the plus strand (G>T on the coding strand, the complement: SCN9A is on the minus strand). VCF-style: chr2-166199543-C-A. GRCh37 (hg19) VCF-style: chr2-167056053-C-A.
Other names: c.5063G>T, p.Gly1688Val (NM_002977.4); short protein forms G1688V, G1699V.
Identifiers: ClinVar variation 846742 (VCV000846742.10), dbSNP rs761880427, ClinGen allele CA349054722.